The following is an entry in ClinVar:

ClinVar aggregate classification (germline): Uncertain significance (1 of 4 stars; one submission).

Allele frequency attached by ClinVar (database versions not stated): ExAC 0.00001; gnomAD exomes 0.00001; TOPMed 0.00003; gnomAD 0.00004; ESP Exome Variant Server 0.00009.
gnomAD v4.1: 15 of 1,209,147 alleles (0.0012%); highest among the groups gnomAD compares: Admixed American, 0.0088%; no homozygotes.

Submission:

Labcorp Genetics (formerly Invitae), Labcorp
Classification: Uncertain significance. Last evaluated: 2024-12-27. Review status: criteria provided, single submitter. Criteria: Invitae Variant Classification Sherloc (09022015). Collection method: clinical testing. Allele origin: germline.
Comment: This sequence change replaces valine, which is neutral and non-polar, with methionine, which is neutral and non-polar, at codon 715 of the CACNA1F protein (p.Val715Met). This variant is present in population databases (rs202122178, gnomAD 0.005%). This variant has not been reported in the literature in individuals affected with CACNA1F-related conditions. ClinVar contains an entry for this variant (Variation ID: 1431862). Invitae Evidence Modeling of protein sequence and biophysical properties (such as structural, functional, and spatial information, amino acid conservation, physicochemical variation, residue mobility, and thermodynamic stability) indicates that this missense variant is not expected to disrupt CACNA1F protein function with a negative predictive value of 80%. In summary, the available evidence is currently insufficient to determine the role of this variant in disease. Therefore, it has been classified as a Variant of Uncertain Significance.

NM_001256789.3(CACNA1F):c.2110G>A (p.Val704Met)

Gene: CACNA1F (calcium voltage-gated channel subunit alpha1 F; minus strand). Cytogenetic location: Xp11.23.
Variant type: single nucleotide variant.
Coding change: c.2110G>A on transcript NM_001256789.3 (MANE Select); coding-DNA position 2110, G replaced by A.
Protein change: p.Val704Met; replaces valine 704 with methionine.
Molecular consequence: missense variant.
Genome position (GRCh38, 1-based): chrX:49,222,814, C>T on the plus strand (G>A on the coding strand, the complement: CACNA1F is on the minus strand). VCF-style: chrX-49222814-C-T. GRCh37 (hg19) VCF-style: chrX-49079273-C-T.
Other names: c.1948G>A, p.Val650Met (NM_001256790.3); c.2143G>A, p.Val715Met (NM_005183.4); short protein forms V650M, V704M, V715M.
Identifiers: ClinVar variation 1431862 (VCV001431862.6), dbSNP rs202122178, ClinGen allele CA10410742.